The following is an entry in ClinVar:

NM_000059.4(BRCA2):c.8210T>A (p.Leu2737Ter)

Gene: BRCA2 (BRCA2 DNA repair associated; plus strand). Cytogenetic location: 13q13.1.
Variant type: single nucleotide variant.
Coding change: c.8210T>A on transcript NM_000059.4 (MANE Select); coding-DNA position 8210, T replaced by A.
Protein change: p.Leu2737Ter; replaces leucine 2737 with a stop codon.
Molecular consequence: nonsense.
Genome position (GRCh38, 1-based): chr13:32,363,412, T>A. VCF-style: chr13-32363412-T-A. GRCh37 (hg19) VCF-style: chr13-32937549-T-A.
Other names: short protein forms L2737*.
Identifiers: ClinVar variation 573653 (VCV000573653.7), dbSNP rs1566245715, ClinGen allele CA387749775.

ClinVar aggregate classification (germline): Pathogenic (1 of 4 stars; one submission).

Conditions:
Hereditary breast ovarian cancer syndrome. Also called: BRCA1- and BRCA2-Associated Hereditary Breast and Ovarian Cancer; Hereditary breast and ovarian cancer; Hereditary breast and/or ovarian cancer syndrome; Hereditary breast and ovarian cancer syndrome; Hereditary breast and ovarian cancer syndrome (HBOC); Breast and ovarian cancer. Identifiers: Orphanet 145, MedGen C0677776, MeSH D061325, MONDO:0003582. Disease mechanism: loss of function.

Submission:

Labcorp Genetics (formerly Invitae), Labcorp
Classification: Pathogenic for Hereditary breast ovarian cancer syndrome. Last evaluated: 2020-12-09. Review status: criteria provided, single submitter. Criteria: Invitae Variant Classification Sherloc (09022015). Collection method: clinical testing. Allele origin: germline.
Comment: This variant is not present in population databases (ExAC no frequency). This sequence change creates a premature translational stop signal (p.Leu2737*) in the BRCA2 gene. It is expected to result in an absent or disrupted protein product. This variant has not been reported in the literature in individuals with BRCA2-related disease. For these reasons, this variant has been classified as Pathogenic. Loss-of-function variants in BRCA2 are known to be pathogenic (PMID: 20104584).

Literature cited by the submitters: PubMed 20104584.